The following is an entry in ClinVar:

NM_001363711.2(DUOX2):c.3856T>C (p.Tyr1286His)

Gene: DUOX2 (dual oxidase 2; minus strand). Cytogenetic location: 15q21.1.
Variant type: single nucleotide variant.
Coding change: c.3856T>C on transcript NM_001363711.2 (MANE Select); coding-DNA position 3856, T replaced by C.
Protein change: p.Tyr1286His; replaces tyrosine 1286 with histidine.
Molecular consequence: missense variant.
Genome position (GRCh38, 1-based): chr15:45,096,052, A>G on the plus strand (T>C on the coding strand, the complement: DUOX2 is on the minus strand). VCF-style: chr15-45096052-A-G. GRCh37 (hg19) VCF-style: chr15-45388250-A-G.
Other names: c.3856T>C, p.Tyr1286His (NM_014080.5); short protein forms Y1286H.
Identifiers: ClinVar variation 708584 (VCV000708584.21), dbSNP rs148968706, ClinGen allele CA7537702.

ClinVar aggregate classification (germline): Benign/Likely benign. Review status: criteria provided, multiple submitters, no conflicts (2 of 4 stars). 5 submissions from 5 submitters: Benign (2); Likely benign (2). 1 of the submissions does not count toward it. Last evaluated 2026-01-26.

Conditions:
DUOX2-related disorder. Also called: DUOX2-related condition.

Allele frequency attached by ClinVar (database versions not stated): gnomAD exomes 0.00035 and 0.00090; ExAC 0.00101; ESP Exome Variant Server 0.00339; gnomAD 0.00415 and 0.00452; 1000 Genomes Project 30x 0.00422; 1000 Genomes Project 0.00439; TOPMed 0.00458.
gnomAD v4.1: 1,144 of 1,613,950 alleles (0.071%); highest among the groups gnomAD compares: African/African-American, 1.4%; 8 homozygotes.

Submissions (5):

Labcorp Genetics (formerly Invitae), Labcorp
Classification: Benign. Last evaluated: 2026-01-26. Review status: criteria provided, single submitter. Criteria: Invitae Variant Classification Sherloc (09022015). Collection method: clinical testing. Allele origin: germline.

CeGaT Center for Human Genetics Tuebingen
Classification: Likely benign. Last evaluated: 2025-10-01. Review status: criteria provided, single submitter. Criteria: CeGaT Center For Human Genetics Tuebingen Variant Classification Criteria Version 2. Collection method: clinical testing. Allele origin: germline. Affected: yes. Observed: 1 variant allele.
Comment: DUOX2: BP4, BS1

Blueprint Genetics
Classification: Likely benign. Last evaluated: 2024-10-22. Review status: criteria provided, single submitter. Criteria: ACMG Guidelines, 2015. Collection method: clinical testing. Allele origin: germline.

Breakthrough Genomics
Classification: Benign. Review status: criteria provided, single submitter. Criteria: ACMG Guidelines, 2015. Collection method: not provided. Allele origin: germline. Inheritance: Autosomal recessive inheritance. Affected: yes.

PreventionGenetics, part of Exact Sciences
Classification: Benign for DUOX2-related condition. Last evaluated: 2019-11-25. Review status: no assertion criteria provided. Collection method: clinical testing. Allele origin: germline. Not counted in ClinVar's aggregate classification.
Comment: This variant is classified as benign based on ACMG/AMP sequence variant interpretation guidelines (Richards et al. 2015 PMID: 25741868, with internal and published modifications).